The following is an entry in ClinVar:

ClinVar aggregate classification (germline): Uncertain significance (1 of 4 stars; one submission).

gnomAD v4.1: 2 of 1,612,496 alleles (0.00012%); highest among the groups gnomAD compares: Middle Eastern, 0.016%; no homozygotes.

Submission:

Labcorp Genetics (formerly Invitae), Labcorp
Classification: Uncertain significance. Last evaluated: 2025-05-03. Review status: criteria provided, single submitter. Criteria: Invitae Variant Classification Sherloc (09022015). Collection method: clinical testing. Allele origin: germline.
Comment: This sequence change replaces glutamic acid, which is acidic and polar, with glutamine, which is neutral and polar, at codon 370 of the NUP62 protein (p.Glu370Gln). This variant is not present in population databases (gnomAD no frequency). This variant has not been reported in the literature in individuals affected with NUP62-related conditions. ClinVar contains an entry for this variant (Variation ID: 3671009). An algorithm developed to predict the effect of missense changes on protein structure and function (PolyPhen-2) suggests that this variant is likely to be disruptive. In summary, the available evidence is currently insufficient to determine the role of this variant in disease. Therefore, it has been classified as a Variant of Uncertain Significance.

NM_016553.5(NUP62):c.1108G>C (p.Glu370Gln)

Genes: IL4I1 (interleukin 4 induced 1; minus strand), NUP62 (nucleoporin 62; minus strand). Cytogenetic location: 19q13.33.
Variant type: single nucleotide variant.
Coding change: c.1108G>C on transcript NM_016553.5 (MANE Select); coding-DNA position 1108, G replaced by C.
Protein change: p.Glu370Gln; replaces glutamic acid 370 with glutamine.
Molecular consequence: missense variant. On other transcripts: intron variant (3).
Genome position (GRCh38, 1-based): chr19:49,908,700, C>G on the plus strand (G>C on the coding strand, the complement: NUP62 is on the minus strand). VCF-style: chr19-49908700-C-G. GRCh37 (hg19) VCF-style: chr19-50411957-C-G.
Other names: c.1108G>C, p.Glu370Gln (NM_001193357.2, NM_012346.5, NM_153718.4 and 1 more transcripts); c.-227-4379G>C (NM_001258017.2, NM_172374.3); c.-285-4379G>C (NM_001258018.2); short protein forms E370Q.
Identifiers: ClinVar variation 3671009 (VCV003671009.2).